The following is an entry in ClinVar:

NM_006031.6(PCNT):c.9278C>T (p.Ser3093Leu)

Gene: PCNT (pericentrin; plus strand). Cytogenetic location: 21q22.3.
Variant type: single nucleotide variant.
Coding change: c.9278C>T on transcript NM_006031.6 (MANE Select); coding-DNA position 9278, C replaced by T.
Protein change: p.Ser3093Leu; replaces serine 3093 with leucine.
Molecular consequence: missense variant.
Genome position (GRCh38, 1-based): chr21:46,440,087, C>T. VCF-style: chr21-46440087-C-T. GRCh37 (hg19) VCF-style: chr21-47860000-C-T.
Other names: c.8687C>T, p.Ser2896Leu (NM_001315529.2); short protein forms S2896L, S3093L.
Identifiers: ClinVar variation 899002 (VCV000899002.10), dbSNP rs374857206, ClinGen allele CA10081274.

ClinVar aggregate classification (germline): Uncertain significance. Review status: criteria provided, multiple submitters, no conflicts (2 of 4 stars). 3 submissions from 3 submitters: Uncertain significance (3). Last evaluated 2026-07-14.

Conditions:
PCNT-related disorder. Also called: PCNT-related condition.
Microcephalic osteodysplastic primordial dwarfism type II (MOPD2). Also called: Microcephalic osteodysplastic primordial dwarfism with tooth abnormalities; MOPD II; OSTEODYSPLASTIC PRIMORDIAL DWARFISM, TYPE II. Identifiers: Orphanet 2637, MedGen C0432246, MONDO:0008872, OMIM 210720.

Allele frequency attached by ClinVar (database versions not stated): TOPMed 0.00006.
gnomAD v4.1: 16 of 1,613,890 alleles (0.00099%); highest among the groups gnomAD compares: African/African-American, 0.013%; no homozygotes.

Submissions (3):

PreventionGenetics, part of Exact Sciences
Classification: Uncertain significance for PCNT-related condition. Last evaluated: 2026-07-14. Review status: criteria provided, single submitter. Criteria: ACMG Guidelines, 2015. Collection method: clinical testing. Allele origin: germline.
Comment: The PCNT c.9278C>T variant is predicted to result in the amino acid substitution p.Ser3093Leu. To our knowledge, this variant has not been reported in the literature. This variant is reported in 0.0080% of alleles in individuals of African descent in gnomAD. At this time, the clinical significance of this variant is uncertain due to the absence of conclusive functional and genetic evidence.

Labcorp Genetics (formerly Invitae), Labcorp
Classification: Uncertain significance. Last evaluated: 2023-11-13. Review status: criteria provided, single submitter. Criteria: Invitae Variant Classification Sherloc (09022015). Collection method: clinical testing. Allele origin: germline.
Comment: This sequence change replaces serine, which is neutral and polar, with leucine, which is neutral and non-polar, at codon 3093 of the PCNT protein (p.Ser3093Leu). This variant is present in population databases (rs374857206, gnomAD 0.008%). This variant has not been reported in the literature in individuals affected with PCNT-related conditions. ClinVar contains an entry for this variant (Variation ID: 899002). An algorithm developed to predict the effect of missense changes on protein structure and function (PolyPhen-2) suggests that this variant is likely to be tolerated. In summary, the available evidence is currently insufficient to determine the role of this variant in disease. Therefore, it has been classified as a Variant of Uncertain Significance.

Illumina Laboratory Services, Illumina
Classification: Uncertain significance for Microcephalic osteodysplastic primordial dwarfism type II. Last evaluated: 2018-01-12. Review status: criteria provided, single submitter. Criteria: ICSL Variant Classification Criteria 13 December 2019. Collection method: clinical testing. Allele origin: germline.